The following is an entry in ClinVar:

ClinVar aggregate classification (germline): Uncertain significance (1 of 4 stars; one submission).

Submission:

Labcorp Genetics (formerly Invitae), Labcorp
Classification: Uncertain significance. Last evaluated: 2025-12-30. Review status: criteria provided, single submitter. Criteria: Invitae Variant Classification Sherloc (09022015). Collection method: clinical testing. Allele origin: germline.
Comment: This sequence change replaces glutamic acid, which is acidic and polar, with glutamine, which is neutral and polar, at codon 237 of the COL11A1 protein (p.Glu237Gln). This variant is not present in population databases (gnomAD no frequency). This variant has not been reported in the literature in individuals affected with COL11A1-related conditions. Invitae Evidence Modeling of protein sequence and biophysical properties (such as structural, functional, and spatial information, amino acid conservation, physicochemical variation, residue mobility, and thermodynamic stability) indicates that this missense variant is not expected to disrupt COL11A1 protein function with a negative predictive value of 95%. In summary, the available evidence is currently insufficient to determine the role of this variant in disease. Therefore, it has been classified as a Variant of Uncertain Significance.

NM_001854.4(COL11A1):c.709G>C (p.Glu237Gln)

Gene: COL11A1 (collagen type XI alpha 1 chain; minus strand). Cytogenetic location: 1p21.1.
Variant type: single nucleotide variant.
Coding change: c.709G>C on transcript NM_001854.4 (MANE Select); coding-DNA position 709, G replaced by C.
Protein change: p.Glu237Gln; replaces glutamic acid 237 with glutamine.
Molecular consequence: missense variant. On other transcripts: non-coding transcript variant (1).
Genome position (GRCh38, 1-based): chr1:103,031,187, C>G on the plus strand (G>C on the coding strand, the complement: COL11A1 is on the minus strand). VCF-style: chr1-103031187-C-G. GRCh37 (hg19) VCF-style: chr1-103496743-C-G.
Other names: c.709G>C, p.Glu237Gln (NM_001190709.2, NM_080629.3, NM_080630.4); short protein forms E237Q.
Identifiers: ClinVar variation 4799913 (VCV004799913.1).